The following is an entry in ClinVar:

ClinVar aggregate classification (germline): Uncertain significance (1 of 4 stars; one submission).

Allele frequency attached by ClinVar (database versions not stated): 1000 Genomes Project 30x 0.00031; gnomAD exomes 0.00003; gnomAD 0.00002; TOPMed 0.00002; 1000 Genomes Project 0.00040; ExAC 0.00004.
gnomAD v4.1: 51 of 1,613,914 alleles (0.0032%); highest among the groups gnomAD compares: South Asian, 0.053%; no homozygotes.

Submission:

Labcorp Genetics (formerly Invitae), Labcorp
Classification: Uncertain significance. Last evaluated: 2022-08-11. Review status: criteria provided, single submitter. Criteria: Invitae Variant Classification Sherloc (09022015). Collection method: clinical testing. Allele origin: germline.
Comment: In summary, the available evidence is currently insufficient to determine the role of this variant in disease. Therefore, it has been classified as a Variant of Uncertain Significance. Variants that disrupt the consensus splice site are a relatively common cause of aberrant splicing (PMID: 17576681, 9536098). Algorithms developed to predict the effect of sequence changes on RNA splicing suggest that this variant is not likely to affect RNA splicing. This variant has not been reported in the literature in individuals affected with PPM1D-related conditions. This variant is present in population databases (rs200156959, gnomAD 0.03%). This sequence change falls in intron 5 of the PPM1D gene. It does not directly change the encoded amino acid sequence of the PPM1D protein. It affects a nucleotide within the consensus splice site.

Literature cited by the submitters: PubMed 17576681; PubMed 9536098.

NM_003620.4(PPM1D):c.1260+4T>C

Gene: PPM1D (protein phosphatase, Mg2+/Mn2+ dependent 1D; plus strand). Cytogenetic location: 17q23.2.
Variant type: single nucleotide variant.
Coding change: c.1260+4T>C on transcript NM_003620.4 (MANE Select); 4 bases into the intron after coding-DNA position 1260, T replaced by C.
Molecular consequence: intron variant.
Genome position (GRCh38, 1-based): chr17:60,656,845, T>C. VCF-style: chr17-60656845-T-C. GRCh37 (hg19) VCF-style: chr17-58734206-T-C.
Identifiers: ClinVar variation 2051074 (VCV002051074.4), dbSNP rs200156959, ClinGen allele CA8687698.
Genomic context (GRCh38, chr17:60,656,845, plus strand): 5'-AATAGTCAAGAAACCTGTGTGATGACTCCTTCCCCATGTTCTACACCACCAGTCAAGGTA[T>C]ATAGTTCCATAGTTTTTAAGTTATGTTTTAATAGACACCAGTTCTTTGGTTAGCGTCACC-3'